The following is an entry in ClinVar:

NM_000492.4(CFTR):c.3154T>G (p.Phe1052Val)

Genes: CFTR (CF transmembrane conductance regulator; plus strand), CFTR-AS2 (CFTR antisense RNA 2; minus strand), LOC111674472 (DNase I hypersensitive sites in introns 16 and 17a of CFTR; plus strand). Cytogenetic location: 7q31.2.
Variant type: single nucleotide variant.
Coding change: c.3154T>G on transcript NM_000492.4 (MANE Select); coding-DNA position 3154, T replaced by G.
Protein change: p.Phe1052Val; replaces phenylalanine 1052 with valine.
Molecular consequence: missense variant.
Genome position (GRCh38, 1-based): chr7:117,611,595, T>G. VCF-style: chr7-117611595-T-G. GRCh37 (hg19) VCF-style: chr7-117251649-T-G.
Other names: short protein forms F1052V.
Identifiers: ClinVar variation 35865 (VCV000035865.116), dbSNP rs150212784, ClinGen allele CA327067.

ClinVar aggregate classification (germline): drug response. Review status: reviewed by expert panel (3 of 4 stars). 39 submissions from 37 submitters: drug response (1). 38 of the submissions do not count toward it. Last evaluated 2021-03-24.

Conditions:
CFTR-related disorder (CFTR-RD). Also called: CFTR-related disorders; CFTR-related condition. Identifiers: MedGen C5924204, MONDO:7770004.
Fetal anomalies with a likely genetic cause.
Cystic fibrosis (CF). Also called: MUCOVISCIDOSIS. Identifiers: Orphanet 586, MedGen C0010674, MONDO:0009061, OMIM 219700. Disease mechanism: loss of function.
Congenital bilateral aplasia of vas deferens from CFTR mutation (CBAVD). Identifiers: Orphanet 48, MedGen C0403814, MONDO:0010178, OMIM 277180. Disease mechanism: loss of function.
Hereditary pancreatitis (PCTT). Also called: PRSS1-Related Hereditary Pancreatitis; Hereditary chronic pancreatitis. Identifiers: Orphanet 676, MedGen C0238339, MONDO:0008185, OMIM 167800.
Bronchiectasis with or without elevated sweat chloride 1 (BESC1). Also called: Cystic Fibrosis-Like Syndrome. Identifiers: Orphanet 60033, MedGen C2749757, MONDO:0008887, OMIM 211400.
ivacaftor response - Efficacy. Identifiers: MedGen CN322735.

Allele frequency attached by ClinVar (database versions not stated): gnomAD 0.00037 and 0.00039; ExAC 0.00066; TOPMed 0.00079; ESP Exome Variant Server 0.00100.
gnomAD v4.1: 746 of 1,608,938 alleles (0.046%); highest among the groups gnomAD compares: Middle Eastern, 0.28%; 1 homozygote.

Submissions 1 to 5 of 39:

ClinPGx
Classification: drug response for ivacaftor response - Efficacy. Last evaluated: 2021-03-24. Review status: reviewed by expert panel. Criteria: Pharmacogenomics knowledge for personalized medicine. Collection method: curation. Allele origin: germline. Affected: yes.
Comment: PharmGKB Level of Evidence 1A: Level 1A clinical annotations describe variant-drug combinations that have variant-specific prescribing guidance available in a current clinical guideline annotation or an FDA-approved drug label annotation. Annotations of drug labels or clinical guidelines must give prescribing guidance for specific variants (e.g. CYP2C9*3, HLA-B*57:01) or provide mapping from defined allele functions to diplotypes and phenotypes to be used as supporting evidence for a level 1A clinical annotation. Level 1A clinical annotations must also be supported by at least one publication in addition to a clinical guideline or drug label with variant-specific prescribing guidance.

Drug is not necessarily used to treat response condition

GeneDx
Classification: Uncertain significance. Last evaluated: 2026-09-22. Review status: criteria provided, single submitter. Criteria: GeneDx Variant Classification Process June 2021. Collection method: clinical testing. Allele origin: germline. Not counted in ClinVar's aggregate classification.
Comment: Classified as a variant of varying clinical consequence in a well-curated database (CFTR2); Observed in apparent homozygous state or with a pathogenic CFTR variant in individuals with cystic fibrosis (CF) and CFTR-related disorders but also in individuals with no reported features of CF (PMID: 7544319, 12439892, 18373402, 24204751, 29168366, 29589582, 33393655, 34860163, 27214204); Published functional studies suggest regulation and gating of the channel is affected, however, chloride conductance capabilities are similar to wildtype (PMID: 8702904, 8662892, 23974870); In silico analysis supports that this missense variant has a deleterious effect on protein structure/function; This variant is associated with the following publications: (PMID: 39425040, 25033378, 25087612, 26437683, 36207272, 31759907, 41696981, 41816939, 21131649, 23974870, 20460946, 20021716, 23891399, 24204751, 26823392, 25704068, 29292091, 29805046, 9239681, 18373402, 17489851, 19885835, 12843327, 11883825, 10801389, 15463907, 7683628, 29589582, 29168366, 19318035, 12439892, 9521595, 27214204, 31331863, 31005549, 30561903, 32357917, 30146269, 32113160, 32773111, 32819855, 33393655, 32926152, 33470563, 32484936, 34426522, 34756682, 34949556, 8662892, 8702904, 28408918, 34413153, 34996830, 34797250, 30540547, Turkyilmaz[CaseReport]2021, Oraimi[CaseReport]2022, 34860163, 22892530, 7544319, 37046605, 30938940, 36458240, 35418593, 35997436, 36650664, 32003094, 37823318, 34405919, 38493004, 37628659, 38203285, 38392563, 38744964, 38515211, 32003480, 36409994, 38388235, 39747338, 39841779, 39062716, 40955454, 39996177, 39074961, 39855646, Kurt2025[CaseReport], 39609360, 41691430, 41704044, KURT2025[article], 41580343, 41526774, 42629235)

Genetics Laboratory, Great Ormond Street Hospital NHS Foundation Trust, North Thames Genomic Laboratory Hub
Classification: Likely pathogenic for Fetal anomalies with a likely genetic cause. Last evaluated: 2026-08-10. Review status: criteria provided, single submitter. Criteria: ACGS Best Practice Guidelines for Variant Classification in Rare Disease 2024 v1.2. Collection method: clinical testing. Allele origin: germline. Affected: yes. Not counted in ClinVar's aggregate classification.
Comment: PS4_supporting, PP3_supporting, PS3_strong, PM3_moderate

PreventionGenetics, part of Exact Sciences
Classification: Uncertain significance for CFTR-related condition. Last evaluated: 2026-05-13. Review status: criteria provided, single submitter. Criteria: ACMG Guidelines, 2015. Collection method: clinical testing. Allele origin: germline. Not counted in ClinVar's aggregate classification.
Comment: The CFTR c.3154T>G variant is predicted to result in the amino acid substitution p.Phe1052Val. This variant has been reported in 33 patients with cystic fibrosis and an average sweat chloride level of 47mEq/L. Functional studies indicated that the p.Phe1052Val variant did not alter CFTR chloride channel conductance or expression in cell lines (see supplement table 2 in Sosnay et al. 2013. PubMed ID: 23974870; Van Goor et al. 2014. PubMed ID: 23891399). This variant has been reported in individuals affected with suspected cystic fibrosis (see for example: Basaran et al. 2017. PubMed ID: 29168366; Kilinc et al. 2002. PubMed ID: 12439892; Lakeman et al. 2008. PubMed ID: 18373402; Vrettou et al. 2002. PubMed ID: 12200467), but has also been published as a heterozygous variant in the absence of a second possible causative variant, and/or in patients with limited clinical or genetic evidence to support pathogenicity (see for example: Divac et al. 2004. PubMed ID: 15463907; Tzetis et al. 2001. PubMed ID: 11354633; Kilinc et al. 2002. PubMed ID: 12439892; McWilliams et al. 2010. PubMed ID: 19885835; Grangeia et al. 2018. PubMed ID: 29589582). This variant is reported in 0.20% of alleles in individuals of Ashkenazi Jewish descent in gnomAD, including 1 homozygote. In ClinVar, this variant has been interpreted as uncertain, likely pathogenic, or pathogenic by outside laboratories (Variation ID: 35865). At this time, the clinical significance of this variant is uncertain due to the absence of conclusive functional and genetic evidence.

Women's Health and Genetics/Laboratory Corporation of America, LabCorp
Classification: Likely pathogenic for Cystic fibrosis. Last evaluated: 2026-03-06. Review status: criteria provided, single submitter. Criteria: LabCorp Variant Classification Summary - May 2015. Collection method: clinical testing. Allele origin: germline. Not counted in ClinVar's aggregate classification.
Comment: Variant summary: CFTR c.3154T>G (p.Phe1052Val) results in a non-conservative amino acid change located in the ABC transporter type 1, transmembrane domain (IPR011527) of the encoded protein sequence. Algorithms developed to predict the effect of missense changes on protein structure and function all suggest that this variant is likely to be disruptive. The variant allele was found at a frequency of 0.00065 in 250362 control chromosomes in the gnomAD database, including 1 homozygote. This frequency is not significantly higher than estimated for disease-causing variants in CFTR, allowing no conclusion about variant significance. c.3154T>G has been reported in the literature in individuals affected with Cystic Fibrosis, both in homozygous patients (e.g. Lakeman_2008) and in compound heterozygosity with other known pathogenic mutations (e.g. Brancolini_1995, Onay_1998, Sobczynska-Tomaszewska_2013, Levy_2019). These data indicate that the variant is likely to be associated with disease, however no cosegregation studies are reported in the literature. In addition,the variant has frequently been associated with non-classical manifestations of disease such as pancreatic sufficiency (e.g. Brancolini_1995) and borderline or normal sweat chloride levels (e.g. Hirtz_2004, Basaran_2017), and was found in compound heterozygosity with a known pathogenic mutation in several patients who were asymptomatic at the time of testing (e.g. Boyne_2000, Grangeia_2018). These data strongly suggest that this variant is a "mild" mutation with varying clinical consequences. The variant has also been detected in individuals with other CFTR-related disorders such as CBAVD (Congenital Bilateral Absence of Vas Deferens; e.g. Mercier_1995) and pancreatitis (e.g. Tzetis_2007, Pelletier_2010). In addition the variant has been found in several patients with other lung diseases such as rheumatoid-associated bronchiectasis (e.g. Puechal_2011) and COPD (e.g. Divac_2004) without strong evidence for causality. Several publications report experimental evidence evaluating an impact on protein function. In vitro experiments indicated that the variant mildly affects chloride channel function (Sosnay_2013, Van Goor_2014, Bihler_2024). In addition, this variant was found to alter the regulation and gating properties of chloride channels, though cAMP-stimulated efflux of chlorine channel was normal (Seibert_1996, Cotton_1996). The following publications have been ascertained in the context of this evaluation (PMID: 29168366, 38388235, 10970190, 7544319, 28603918, 8702904, 9239681, 15463907, 28408918, 20021716, 7536669, 10801389, 29589582, 15480987, 9620832, 12439892, 25033378, 18373402, 30540547, 19885835, 7529962, 7683628, 9521595, 11883825, 20460946, 21131649, 23523379, 19318035, 8662892, 22892530, 23974870, 32150665, 26436105, 1284534, 17489851, 11354633, 23891399, 12200467). ClinVar contains an entry for this variant (Variation ID: 35865). Based on the evidence outlined above, the variant was classified as likely pathogenic.